The following is an entry in ClinVar:

NM_014915.3(ANKRD26):c.2629G>T (p.Gly877Ter)

Gene: ANKRD26 (ankyrin repeat domain 26; minus strand). Cytogenetic location: 10p12.1.
Variant type: single nucleotide variant.
Coding change: c.2629G>T on transcript NM_014915.3 (MANE Select); coding-DNA position 2629, G replaced by T.
Protein change: p.Gly877Ter; replaces glycine 877 with a stop codon.
Molecular consequence: nonsense.
Genome position (GRCh38, 1-based): chr10:27,037,254, C>A on the plus strand (G>T on the coding strand, the complement: ANKRD26 is on the minus strand). VCF-style: chr10-27037254-C-A. GRCh37 (hg19) VCF-style: chr10-27326183-C-A.
Other names: c.2626G>T, p.Gly876Ter (NM_001256053.2); short protein forms G876*, G877*.
Identifiers: ClinVar variation 4754569 (VCV004754569.1).
Genomic context (GRCh38, chr10:27,037,254, plus strand): 5'-TCATTTTCTTTTGAGCCATTTCAATCTCCTTTTGTTTGGAAAGGTGATTGGTCAGAATTC[C>A]ATCTTGTAACATTCTGGCATTCTGTTCTCGAGAAAGTTGCCTCTGAGCGTCATTTCGCTC-3'

ClinVar aggregate classification (germline): Uncertain significance (1 of 4 stars; one submission).

gnomAD v4.1: 1 of 1,613,746 alleles (0.000062%); highest among the groups gnomAD compares: Non-Finnish European, 0.000085%; no homozygotes.

Submission:

Labcorp Genetics (formerly Invitae), Labcorp
Classification: Uncertain significance. Last evaluated: 2025-08-10. Review status: criteria provided, single submitter. Criteria: Invitae Variant Classification Sherloc (09022015). Collection method: clinical testing. Allele origin: germline.
Comment: This sequence change creates a premature translational stop signal (p.Gly877*) in the ANKRD26 gene. It is expected to result in an absent or disrupted protein product. However, the current clinical and genetic evidence is not sufficient to establish whether loss-of-function variants in ANKRD26 cause disease. This variant is not present in population databases (gnomAD no frequency). This variant has not been reported in the literature in individuals affected with ANKRD26-related conditions. In summary, the available evidence is currently insufficient to determine the role of this variant in disease. Therefore, it has been classified as a Variant of Uncertain Significance.